The following is an entry in ClinVar:

ClinVar aggregate classification (germline): Conflicting classifications of pathogenicity. Review status: criteria provided, conflicting classifications (1 of 4 stars). 6 submissions from 6 submitters: Uncertain significance (1); Benign (1); Likely benign (4). Last evaluated 2026-02-03.

Conditions:
Inborn genetic diseases. Identifiers: MedGen C0950123, MeSH D030342.
Neuronal ceroid lipofuscinosis. Also called: Neuronal Ceroid Lipofuscinoses. Identifiers: Orphanet 216, Orphanet 79263, MedGen C0027877, MONDO:0016295. Disease mechanism: loss of function.

Allele frequency attached by ClinVar (database versions not stated): gnomAD 0.00011; gnomAD exomes 0.00012 and 0.00063; TOPMed 0.00029; ExAC 0.00057.
gnomAD v4.1: 188 of 1,613,768 alleles (0.012%); highest among the groups gnomAD compares: Admixed American, 0.31%; 4 homozygotes.

Submissions (6):

Labcorp Genetics (formerly Invitae), Labcorp
Classification: Likely benign for Neuronal ceroid lipofuscinosis. Last evaluated: 2026-02-03. Review status: criteria provided, single submitter. Criteria: Invitae Variant Classification Sherloc (09022015). Collection method: clinical testing. Allele origin: germline.

Mayo Clinic Laboratories, Mayo Clinic
Classification: Likely benign. Last evaluated: 2025-04-21. Review status: criteria provided, single submitter. Criteria: ACMG Guidelines, 2015. Collection method: clinical testing. Allele origin: germline. Observed: 3 variant alleles.
Comment: BS1, BP4

Blueprint Genetics
Classification: Benign. Last evaluated: 2024-03-05. Review status: criteria provided, single submitter. Criteria: ACMG Guidelines, 2015. Collection method: clinical testing. Allele origin: germline.

GeneDx
Classification: Likely benign. Last evaluated: 2020-10-19. Review status: criteria provided, single submitter. Criteria: GeneDx Variant Classification Process June 2021. Collection method: clinical testing. Allele origin: germline. Affected: yes.

Athena Diagnostics
Classification: Likely benign. Last evaluated: 2017-06-23. Review status: criteria provided, single submitter. Criteria: Athena Diagnostics Criteria. Collection method: clinical testing. Allele origin: germline.

Ambry Genetics
Classification: Uncertain significance for Inborn genetic diseases. Last evaluated: 2016-10-14. Review status: criteria provided, single submitter. Criteria: Ambry Variant Classification Scheme 2023. Collection method: clinical testing. Allele origin: germline.
Comment: The p.R34W variant (also known as c.100C>T), located in coding exon 2 of the CTSD gene, results from a C to T substitution at nucleotide position 100. The arginine at codon 34 is replaced by tryptophan, an amino acid with dissimilar properties. This variant was not reported in population based cohorts in the following databases: Database of Single Nucleotide Polymorphisms (dbSNP), NHLBI Exome Sequencing Project (ESP), and 1000 Genomes Project. In the ESP, this variant was not observed in 6501 samples (13002 alleles) with coverage at this position. This amino acid position is well conserved in available vertebrate species. In addition, this alteration is predicted to be tolerated by in silico analysis. Since supporting evidence is limited at this time, the clinical significance of this alteration remains unclear.

NM_001909.5(CTSD):c.100C>T (p.Arg34Trp)

Genes: CTSD (cathepsin D; minus strand), PRADX (PRC2 and DDX5 associated lncRNA; plus strand). Cytogenetic location: 11p15.5.
Variant type: single nucleotide variant.
Coding change: c.100C>T on transcript NM_001909.5 (MANE Select); coding-DNA position 100, C replaced by T.
Protein change: p.Arg34Trp; replaces arginine 34 with tryptophan.
Molecular consequence: missense variant.
Genome position (GRCh38, 1-based): chr11:1,761,437, G>A on the plus strand (C>T on the coding strand, the complement: CTSD is on the minus strand). VCF-style: chr11-1761437-G-A. GRCh37 (hg19) VCF-style: chr11-1782667-G-A.
Other names: p.R34W:CGG>TGG; short protein forms R34W.
Identifiers: ClinVar variation 205348 (VCV000205348.21), dbSNP rs779278368, ClinGen allele CA314338.